The following is an entry in ClinVar:

NM_000824.5(GLRB):c.751+5G>A

Gene: GLRB (glycine receptor beta; plus strand). Cytogenetic location: 4q32.1.
Variant type: single nucleotide variant.
Coding change: c.751+5G>A on transcript NM_000824.5 (MANE Select); 5 bases into the intron after coding-DNA position 751, G replaced by A.
Molecular consequence: intron variant.
Genome position (GRCh38, 1-based): chr4:157,138,954, G>A. VCF-style: chr4-157138954-G-A. GRCh37 (hg19) VCF-style: chr4-158060106-G-A.
Other names: c.751+5G>A (NM_001166061.2, NM_001166060.2).
Identifiers: ClinVar variation 1351339 (VCV001351339.5), dbSNP rs779826547, ClinGen allele CA3119852.

ClinVar aggregate classification (germline): Uncertain significance (1 of 4 stars; one submission).

Conditions:
Hyperekplexia 2 (HKPX2). Identifiers: Orphanet 3197, MedGen C3553291, MONDO:0013828, OMIM 614619.

Allele frequency attached by ClinVar (database versions not stated): gnomAD 0.00003 and 0.00004; gnomAD exomes 0.00003 and 0.00008; ExAC 0.00007; TOPMed 0.00009.
gnomAD v4.1: 36 of 1,328,464 alleles (0.0027%); highest among the groups gnomAD compares: East Asian, 0.069%; no homozygotes.

Submission:

Labcorp Genetics (formerly Invitae), Labcorp
Classification: Uncertain significance for Hyperekplexia 2. Last evaluated: 2024-10-15. Review status: criteria provided, single submitter. Criteria: Invitae Variant Classification Sherloc (09022015). Collection method: clinical testing. Allele origin: germline.
Comment: This sequence change falls in intron 7 of the GLRB gene. It does not directly change the encoded amino acid sequence of the GLRB protein. It affects a nucleotide within the consensus splice site. This variant is present in population databases (rs779826547, gnomAD 0.1%). This variant has not been reported in the literature in individuals affected with GLRB-related conditions. ClinVar contains an entry for this variant (Variation ID: 1351339). Variants that disrupt the consensus splice site are a relatively common cause of aberrant splicing (PMID: 17576681, 9536098). Algorithms developed to predict the effect of sequence changes on RNA splicing suggest that this variant may disrupt the consensus splice site. In summary, the available evidence is currently insufficient to determine the role of this variant in disease. Therefore, it has been classified as a Variant of Uncertain Significance.

Literature cited by the submitters: PubMed 17576681; PubMed 9536098.